The following is an entry in ClinVar:

ClinVar aggregate classification (germline): Pathogenic. Review status: criteria provided, multiple submitters, no conflicts (2 of 4 stars). 2 submissions from 2 submitters: Pathogenic (2). Last evaluated 2026-08-15.

Conditions:
Diaphragmatic hernia 3 (DIH3). Identifiers: Orphanet 2140, MedGen C1857781, MONDO:0012431, OMIM 610187.

Submissions (2):

GeneDx
Classification: Pathogenic. Last evaluated: 2026-08-15. Review status: criteria provided, single submitter. Criteria: GeneDx Variant Classification Process June 2021. Collection method: clinical testing. Allele origin: germline.
Comment: Frameshift variant predicted to result in protein truncation or nonsense mediated decay in a gene for which loss of function is a known mechanism of disease; Reported previously as a pathogenic variant in the heterozygous stated in an individual with congenital diaphragmatic hernia and non-hernia-related anomalies; however, additional clinical information and parental segregation was unavailable (PMID: 33461977); Not observed at significant frequency in large population cohorts (gnomAD); This variant is associated with the following publications: (PMID: 33461977)

Daryl Scott Lab, Baylor College of Medicine
Classification: Pathogenic for Diaphragmatic hernia 3. Last evaluated: 2020-11-11. Review status: criteria provided, single submitter. Criteria: ACMG Guidelines, 2015. Collection method: clinical testing. Allele origin: de novo. Affected: yes. Observed: 1 variant allele.

Literature cited by the submitters: PubMed 33461977 (cited by Daryl Scott Lab, Baylor College of Medicine).

NM_012082.4(ZFPM2):c.757_761dup (p.Cys255fs)

Genes: ZFPM2 (zinc finger protein, FOG family member 2; plus strand), ZFPM2-AS1 (ZFPM2 antisense RNA 1; minus strand). Cytogenetic location: 8q23.1.
Variant type: Duplication.
Coding change: c.757_761dup on transcript NM_012082.4 (MANE Select); coding-DNA positions 757 to 761, 5 bases duplicated (AAGTC; older notation c.757_761dupAAGTC).
Protein change: p.Cys255fs; shifts the reading frame from cysteine 255.
Molecular consequence: frameshift variant.
Genome position (GRCh38, 1-based): chr8:105,798,741-105,798,745, AAGTC duplicated; duplicating any 5 consecutive bases within chr8:105,798,740-105,798,745 gives the same sequence; the c. name uses the placement nearest the transcript's 3' end. VCF-style (leftmost placement, unchanged base first): chr8-105798739-G-GCAAGT. GRCh37 (hg19) VCF-style: chr8-106810967-G-GCAAGT.
Other names: c.598_602dup, p.Cys202fs (NM_001362836.2); c.361_365dup, p.Cys123fs (NM_001362837.2); short protein forms C123fs, C202fs, C255fs.
Identifiers: ClinVar variation 987903 (VCV000987903.3), dbSNP rs1813907455, ClinGen allele CA1139660704.
Genomic context (GRCh38, chr8:105,798,739, plus strand): 5'-TCAAATGGACAGCAGCAAATGTGTCTCTTGTGTTTTTACCTGCAGAGGATATATTCCCTT[G>GCAAGT]CAAGTCCTGTGGCATCTGGTATCGGAGTGAGCGGAATCTGCAGGCCCATTTGATGTACTA-3'